The following is an entry in ClinVar:

NM_000836.4(GRIN2D):c.3706C>G (p.Pro1236Ala)

Gene: GRIN2D (glutamate ionotropic receptor NMDA type subunit 2D; plus strand). Cytogenetic location: 19q13.33.
Variant type: single nucleotide variant.
Coding change: c.3706C>G on transcript NM_000836.4 (MANE Select); coding-DNA position 3706, C replaced by G.
Protein change: p.Pro1236Ala; replaces proline 1236 with alanine.
Molecular consequence: missense variant.
Genome position (GRCh38, 1-based): chr19:48,443,632, C>G. VCF-style: chr19-48443632-C-G. GRCh37 (hg19) VCF-style: chr19-48946889-C-G.
Other names: short protein forms P1236A.
Identifiers: ClinVar variation 2063007 (VCV002063007.5), dbSNP rs1043085352, ClinGen allele CA309299488.

ClinVar aggregate classification (germline): Uncertain significance. Review status: criteria provided, multiple submitters, no conflicts (2 of 4 stars). 2 submissions from 2 submitters: Uncertain significance (2). Last evaluated 2025-11-25.

Conditions:
Inborn genetic diseases. Identifiers: MedGen C0950123, MeSH D030342.

Allele frequency attached by ClinVar (database versions not stated): gnomAD 0.00008; TOPMed 0.00009; gnomAD exomes 0.00014.
gnomAD v4.1: 140 of 1,077,402 alleles (0.013%); highest among the groups gnomAD compares: Non-Finnish European, 0.015%; no homozygotes.

Submissions (2):

Labcorp Genetics (formerly Invitae), Labcorp
Classification: Uncertain significance. Last evaluated: 2025-11-25. Review status: criteria provided, single submitter. Criteria: Invitae Variant Classification Sherloc (09022015). Collection method: clinical testing. Allele origin: germline.
Comment: This sequence change replaces proline, which is neutral and non-polar, with alanine, which is neutral and non-polar, at codon 1236 of the GRIN2D protein (p.Pro1236Ala). This variant is present in population databases (no rsID available, gnomAD 0.007%). This variant has not been reported in the literature in individuals affected with GRIN2D-related conditions. ClinVar contains an entry for this variant (Variation ID: 2063007). Invitae Evidence Modeling of protein sequence and biophysical properties (such as structural, functional, and spatial information, amino acid conservation, physicochemical variation, residue mobility, and thermodynamic stability) indicates that this missense variant is not expected to disrupt GRIN2D protein function with a negative predictive value of 95%. In summary, the available evidence is currently insufficient to determine the role of this variant in disease. Therefore, it has been classified as a Variant of Uncertain Significance.

Ambry Genetics
Classification: Uncertain significance for Inborn genetic diseases. Last evaluated: 2021-09-28. Review status: criteria provided, single submitter. Criteria: Ambry Variant Classification Scheme 2023. Collection method: clinical testing. Allele origin: germline.